The following is an entry in ClinVar:

NM_006231.4(POLE):c.4336G>A (p.Val1446Met)

Gene: POLE (DNA polymerase epsilon, catalytic subunit; minus strand). Cytogenetic location: 12q24.33.
Variant type: single nucleotide variant.
Coding change: c.4336G>A on transcript NM_006231.4 (MANE Select); coding-DNA position 4336, G replaced by A.
Protein change: p.Val1446Met; replaces valine 1446 with methionine.
Molecular consequence: missense variant.
Genome position (GRCh38, 1-based): chr12:132,643,515, C>T on the plus strand (G>A on the coding strand, the complement: POLE is on the minus strand). VCF-style: chr12-132643515-C-T. GRCh37 (hg19) VCF-style: chr12-133220101-C-T.
Other names: short protein forms V1446M.
Identifiers: ClinVar variation 3308386 (VCV003308386.1).

ClinVar aggregate classification (germline): Uncertain significance (1 of 4 stars; one submission).

Conditions:
Hereditary cancer-predisposing syndrome. Also called: Neoplastic Syndromes, Hereditary; Tumor predisposition; Hereditary neoplastic syndrome; Hereditary Cancer Syndrome. Identifiers: Orphanet 140162, MedGen C0027672, MeSH D009386, MONDO:0015356.

Submission:

Ambry Genetics
Classification: Uncertain significance for Hereditary cancer-predisposing syndrome. Last evaluated: 2024-04-20. Review status: criteria provided, single submitter. Criteria: Ambry Variant Classification Scheme 2023. Collection method: clinical testing. Allele origin: germline.
Comment: The p.V1446M variant (also known as c.4336G>A), located in coding exon 34 of the POLE gene, results from a G to A substitution at nucleotide position 4336. The valine at codon 1446 is replaced by methionine, an amino acid with highly similar properties. This amino acid position is conserved. In addition, this alteration is predicted to be tolerated by in silico analysis. Based on the available evidence, the clinical significance of this variant remains unclear.